The following is an entry in ClinVar:

NM_203447.4(DOCK8):c.3606T>C (p.Cys1202=)

Gene: DOCK8 (dedicator of cytokinesis 8; plus strand). Cytogenetic location: 9p24.3.
Variant type: single nucleotide variant.
Coding change: c.3606T>C on transcript NM_203447.4 (MANE Select); coding-DNA position 3606, T replaced by C.
Protein change: p.Cys1202=; no amino-acid change (cysteine 1202 retained).
Molecular consequence: synonymous variant.
Genome position (GRCh38, 1-based): chr9:414,857, T>C. VCF-style: chr9-414857-T-C. GRCh37 (hg19) VCF-style: chr9-414857-T-C.
Other names: c.3306T>C, p.Cys1102= (NM_001190458.2); c.3402T>C, p.Cys1134= (NM_001193536.2).
Identifiers: ClinVar variation 366993 (VCV000366993.41), dbSNP rs143919622, ClinGen allele CA4958759.
Genomic context (GRCh38, chr9:414,857, plus strand): 5'-AAGGAAAGCTGTCAGTGCAATTCACAGCCTGCTAAGTTCTCACGACCTGGACCCACGCTG[T>C]GTCAAACCAGAGGTGAAGGTCAAAATCGCCGCCCTTTACCTACCTTTAGTTGGCATCATT-3'
Protein context (NP_982272.2, residues 1192-1212): LLSSHDLDPR[Cys1202=]VKPEVKVKIA

ClinVar aggregate classification (germline): Benign/Likely benign. Review status: criteria provided, multiple submitters, no conflicts (2 of 4 stars). 5 submissions from 5 submitters: Benign (2); Likely benign (3). Last evaluated 2026-01-26.

Conditions:
Combined immunodeficiency due to DOCK8 deficiency (HIES2). Also called: HYPER-IgE RECURRENT INFECTION SYNDROME 2, AUTOSOMAL RECESSIVE; HIES autosomal recessive; HYPER-IgE SYNDROME 2, AUTOSOMAL RECESSIVE, WITH RECURRENT INFECTIONS; DOCK8 Deficiency; Hyper-IgE recurrent infection syndrome, autosomal recessive. Identifiers: Orphanet 217390, MedGen C4722305, MONDO:0009478, OMIM 243700.

Allele frequency attached by ClinVar (database versions not stated): gnomAD 0.00172 and 0.00175; ESP Exome Variant Server 0.00177; TOPMed 0.00196; 1000 Genomes Project 30x 0.00297; 1000 Genomes Project 0.00319.
gnomAD v4.1: 500 of 1,614,234 alleles (0.031%); highest among the groups gnomAD compares: African/African-American, 0.58%; 2 homozygotes.

Submissions (5):

Labcorp Genetics (formerly Invitae), Labcorp
Classification: Benign for Combined immunodeficiency due to DOCK8 deficiency. Last evaluated: 2026-01-26. Review status: criteria provided, single submitter. Criteria: Invitae Variant Classification Sherloc (09022015). Collection method: clinical testing. Allele origin: germline.

Blueprint Genetics
Classification: Likely benign. Last evaluated: 2024-10-08. Review status: criteria provided, single submitter. Criteria: ACMG Guidelines, 2015. Collection method: clinical testing. Allele origin: germline.

CeGaT Center for Human Genetics Tuebingen
Classification: Likely benign. Last evaluated: 2022-12-01. Review status: criteria provided, single submitter. Criteria: CeGaT Center For Human Genetics Tuebingen Variant Classification Criteria Version 2. Collection method: clinical testing. Allele origin: germline. Affected: yes. Observed: 1 variant allele.
Comment: DOCK8: BP4, BP7

Illumina Laboratory Services, Illumina
Classification: Likely benign for Combined immunodeficiency due to DOCK8 deficiency. Last evaluated: 2018-01-12. Review status: criteria provided, single submitter. Criteria: ICSL Variant Classification Criteria 13 December 2019. Collection method: clinical testing. Allele origin: germline.
Comment: This variant was observed in the ICSL laboratory as part of a predisposition screen in an ostensibly healthy population. It had not been previously curated by ICSL or reported in the Human Gene Mutation Database (HGMD: prior to June 1st, 2018), and was therefore a candidate for classification through an automated scoring system. Utilizing variant allele frequency, disease prevalence and penetrance estimates, and inheritance mode, an automated score was calculated to assess if this variant is too frequent to cause the disease. Based on the score and internal cut-off values, a variant classified as likely benign is not then subjected to further curation. The score for this variant resulted in a classification of likely benign for this disease.

GeneDx
Classification: Benign. Last evaluated: 2015-03-03. Review status: criteria provided, single submitter. Criteria: GeneDx Variant Classification Process June 2021. Collection method: clinical testing. Allele origin: germline. Affected: yes.